The following is an entry in ClinVar:

ClinVar aggregate classification (germline): Uncertain significance (1 of 4 stars; one submission).

Submission:

Labcorp Genetics (formerly Invitae), Labcorp
Classification: Uncertain significance. Last evaluated: 2021-07-18. Review status: criteria provided, single submitter. Criteria: Invitae Variant Classification Sherloc (09022015). Collection method: clinical testing. Allele origin: germline.
Comment: In summary, the available evidence is currently insufficient to determine the role of this variant in disease. Therefore, it has been classified as a Variant of Uncertain Significance. Algorithms developed to predict the effect of missense changes on protein structure and function output the following: SIFT: "Tolerated"; PolyPhen-2: "Benign"; Align-GVGD: "Class C0". The cysteine amino acid residue is found in multiple mammalian species, suggesting that this missense change does not adversely affect protein function. These predictions have not been confirmed by published functional studies and their clinical significance is uncertain. This variant has not been reported in the literature in individuals with ARPC1B-related conditions. The frequency data for this variant in the population databases is considered unreliable, as metrics indicate insufficient coverage at this position in the ExAC database. This sequence change replaces phenylalanine with cysteine at codon 266 of the ARPC1B protein (p.Phe266Cys). The phenylalanine residue is moderately conserved and there is a large physicochemical difference between phenylalanine and cysteine.

NM_005720.4(ARPC1B):c.797T>G (p.Phe266Cys)

Gene: ARPC1B (actin related protein 2/3 complex subunit 1B; plus strand). Cytogenetic location: 7q22.1.
Variant type: single nucleotide variant.
Coding change: c.797T>G on transcript NM_005720.4 (MANE Select); coding-DNA position 797, T replaced by G.
Protein change: p.Phe266Cys; replaces phenylalanine 266 with cysteine.
Molecular consequence: missense variant.
Genome position (GRCh38, 1-based): chr7:99,392,684, T>G. VCF-style: chr7-99392684-T-G. GRCh37 (hg19) VCF-style: chr7-98990307-T-G.
Other names: short protein forms F266C.
Identifiers: ClinVar variation 1349159 (VCV001349159.8), dbSNP rs2150897830, ClinGen allele CA368327445.